The following is an entry in ClinVar:

NM_001110556.2(FLNA):c.3921del (p.Tyr1308fs)

Gene: FLNA (filamin A; minus strand). Cytogenetic location: Xq28.
Variant type: Deletion.
Coding change: c.3921del on transcript NM_001110556.2 (MANE Select); coding-DNA position 3921, one base deleted (C; older notation c.3921delC).
Protein change: p.Tyr1308fs; shifts the reading frame from tyrosine 1308.
Molecular consequence: frameshift variant.
Genome position (GRCh38, 1-based): chrX:154,359,790, G deleted on the plus strand (C on the coding strand, the reverse complement: FLNA is on the minus strand); the first of 2 consecutive G bases (chrX:154,359,790-154,359,791); deleting either gives the same sequence. VCF-style (leftmost placement, unchanged base first): chrX-154359789-AG-A. GRCh37 (hg19) VCF-style: chrX-153588157-AG-A.
Other names: c.3921del, p.Tyr1308fs (NM_001456.4); c.3921delC (NM_001456.3); short protein forms Y1308fs.
Identifiers: ClinVar variation 213494 (VCV000213494.2), dbSNP rs863223632, ClinGen allele CA324135.

ClinVar aggregate classification (germline): Pathogenic (1 of 4 stars; one submission).

Submission:

GeneDx
Classification: Pathogenic. Last evaluated: 2016-11-11. Review status: criteria provided, single submitter. Criteria: GeneDx Variant Classification (06012015). Collection method: clinical testing. Allele origin: germline. Affected: yes.
Comment: The c.3921delC pathogenic variant in the FLNA gene causes a frameshift starting with codon Tyrosine 1308, changes this amino acid to a Threonine residue and creates a premature Stop codon at position 26 of the new reading frame, denoted p.Y1308TfsX26. This variant is predicted to cause loss of normal protein function either through protein truncation or nonsense-mediated mRNA decay. It was not observed in approximately 6,400 individuals of European and African American ancestry in the NHLBI Exome Sequencing Project, indicating it is not a common benign variant in these populations. Although this pathogenic variant has not been previously reported to our knowledge, other frameshift mutations have been reported in the Human Gene Mutation Database in association with FLNA-related disorders (Stenson et al., 2014). Therefore, c.3921delC is considered a pathogenic variant.